The following is an entry in ClinVar:

ClinVar aggregate classification (germline): Uncertain significance (1 of 4 stars; one submission).

Conditions:
Inborn genetic diseases. Identifiers: MedGen C0950123, MeSH D030342.

gnomAD v4.1: 8 of 1,611,620 alleles (0.0005%); highest among the groups gnomAD compares: Non-Finnish European, 0.00068%; no homozygotes.

Submission:

Ambry Genetics
Classification: Uncertain significance for Inborn genetic diseases. Last evaluated: 2024-12-08. Review status: criteria provided, single submitter. Criteria: Ambry Variant Classification Scheme 2023. Collection method: clinical testing. Allele origin: germline.
Comment: The p.Q368E variant (also known as c.1102C>G), located in coding exon 9 of the KDM1A gene, results from a C to G substitution at nucleotide position 1102. The glutamine at codon 368 is replaced by glutamic acid, an amino acid with highly similar properties. This amino acid position is conserved. In addition, this alteration is predicted to be tolerated by in silico analysis. Based on the available evidence, the clinical significance of this variant remains unclear.

NM_001009999.3(KDM1A):c.1102C>G (p.Gln368Glu)

Gene: KDM1A (lysine demethylase 1A; plus strand). Cytogenetic location: 1p36.12.
Variant type: single nucleotide variant.
Coding change: c.1102C>G on transcript NM_001009999.3 (MANE Select); coding-DNA position 1102, C replaced by G.
Protein change: p.Gln368Glu; replaces glutamine 368 with glutamic acid.
Molecular consequence: missense variant.
Genome position (GRCh38, 1-based): chr1:23,059,102, C>G. VCF-style: chr1-23059102-C-G. GRCh37 (hg19) VCF-style: chr1-23385595-C-G.
Other names: c.1042C>G, p.Gln348Glu (NM_001363654.2, NM_001410763.1, NM_015013.4); c.1102C>G, p.Gln368Glu (NM_001410762.1); short protein forms Q348E, Q368E.
Identifiers: ClinVar variation 3532982 (VCV003532982.1).